The following is an entry in ClinVar:

NM_005732.4(RAD50):c.2192G>A (p.Gly731Glu)

Gene: RAD50 (RAD50 double strand break repair protein; plus strand). Cytogenetic location: 5q31.1.
Variant type: single nucleotide variant.
Coding change: c.2192G>A on transcript NM_005732.4 (MANE Select); coding-DNA position 2192, G replaced by A.
Protein change: p.Gly731Glu; replaces glycine 731 with glutamic acid.
Molecular consequence: missense variant.
Genome position (GRCh38, 1-based): chr5:132,595,795, G>A. VCF-style: chr5-132595795-G-A. GRCh37 (hg19) VCF-style: chr5-131931487-G-A.
Other names: short protein forms G731E.
Identifiers: ClinVar variation 3312339 (VCV003312339.1).

ClinVar aggregate classification (germline): Uncertain significance (1 of 4 stars; one submission).

Conditions:
Hereditary cancer-predisposing syndrome. Also called: Neoplastic Syndromes, Hereditary; Tumor predisposition; Hereditary neoplastic syndrome; Hereditary Cancer Syndrome. Identifiers: Orphanet 140162, MedGen C0027672, MeSH D009386, MONDO:0015356.

Submission:

Ambry Genetics
Classification: Uncertain significance for Hereditary cancer-predisposing syndrome. Last evaluated: 2024-06-06. Review status: criteria provided, single submitter. Criteria: Ambry Variant Classification Scheme 2023. Collection method: clinical testing. Allele origin: germline.
Comment: The p.G731E variant (also known as c.2192G>A), located in coding exon 13 of the RAD50 gene, results from a G to A substitution at nucleotide position 2192. The glycine at codon 731 is replaced by glutamic acid, an amino acid with similar properties. This amino acid position is conserved. In addition, this alteration is predicted to be tolerated by in silico analysis. Based on the available evidence, the clinical significance of this variant remains unclear.